The following is an entry in ClinVar:

ClinVar aggregate classification (germline): Likely benign (0 of 4 stars; one submission).

Conditions:
NCOA1-related disorder. Also called: NCOA1-related condition.

gnomAD v4.1: 3 of 1,614,214 alleles (0.00019%); highest among the groups gnomAD compares: Middle Eastern, 0.016%; no homozygotes.

Submission:

PreventionGenetics, part of Exact Sciences
Classification: Likely benign for NCOA1-related condition. Last evaluated: 2020-10-27. Review status: no assertion criteria provided. Collection method: clinical testing. Allele origin: germline.
Comment: This variant is classified as likely benign based on ACMG/AMP sequence variant interpretation guidelines (Richards et al. 2015 PMID: 25741868, with internal and published modifications).

NM_003743.5(NCOA1):c.3591C>G (p.Ser1197=)

Gene: NCOA1 (nuclear receptor coactivator 1; plus strand). Cytogenetic location: 2p23.3.
Variant type: single nucleotide variant.
Coding change: c.3591C>G on transcript NM_003743.5 (MANE Select); coding-DNA position 3591, C replaced by G.
Protein change: p.Ser1197=; no amino-acid change (serine 1197 retained).
Molecular consequence: synonymous variant.
Genome position (GRCh38, 1-based): chr2:24,742,071, C>G. VCF-style: chr2-24742071-C-G. GRCh37 (hg19) VCF-style: chr2-24964940-C-G.
Other names: c.3591C>G, p.Ser1197= (NM_001362950.1, NM_001362952.1, NM_001362954.1 and 3 more transcripts).
Identifiers: ClinVar variation 3350532 (VCV003350532.1).